The following is an entry in ClinVar:

ClinVar aggregate classification (germline): Uncertain significance (1 of 4 stars; one submission).

Allele frequency attached by ClinVar (database versions not stated): gnomAD exomes 0.00001; gnomAD 0.00003; 1000 Genomes Project 30x 0.00016; 1000 Genomes Project 0.00020.
gnomAD v4.1: 20 of 1,593,272 alleles (0.0013%); highest among the groups gnomAD compares: South Asian, 0.023%; no homozygotes.

Submission:

Labcorp Genetics (formerly Invitae), Labcorp
Classification: Uncertain significance. Last evaluated: 2022-09-07. Review status: criteria provided, single submitter. Criteria: Invitae Variant Classification Sherloc (09022015). Collection method: clinical testing. Allele origin: germline.
Comment: In summary, the available evidence is currently insufficient to determine the role of this variant in disease. Therefore, it has been classified as a Variant of Uncertain Significance. Algorithms developed to predict the effect of missense changes on protein structure and function output the following: SIFT: "Tolerated"; PolyPhen-2: "Benign"; Align-GVGD: "Class C0". The threonine amino acid residue is found in multiple mammalian species, which suggests that this missense change does not adversely affect protein function. ClinVar contains an entry for this variant (Variation ID: 1436276). This missense change has been observed in individual(s) with retinitis pigmentosa (PMID: 16714263). This variant is not present in population databases (gnomAD no frequency). This sequence change replaces arginine, which is basic and polar, with threonine, which is neutral and polar, at codon 20 of the MERTK protein (p.Arg20Thr).

Literature cited by the submitters: PubMed 16714263.

NM_006343.3(MERTK):c.59G>C (p.Arg20Thr)

Gene: MERTK (MER proto-oncogene, tyrosine kinase; plus strand). Cytogenetic location: 2q13.
Variant type: single nucleotide variant.
Coding change: c.59G>C on transcript NM_006343.3 (MANE Select); coding-DNA position 59, G replaced by C.
Protein change: p.Arg20Thr; replaces arginine 20 with threonine.
Molecular consequence: missense variant.
Genome position (GRCh38, 1-based): chr2:111,898,794, G>C. VCF-style: chr2-111898794-G-C. GRCh37 (hg19) VCF-style: chr2-112656371-G-C.
Other names: short protein forms R20T.
Identifiers: ClinVar variation 1436276 (VCV001436276.8), dbSNP rs552509122, ClinGen allele CA1830951.
Genomic context (GRCh38, chr2:111,898,794, plus strand): 5'-GGATGGGGCCGGCCCCGCTGCCGCTGCTGCTGGGCCTCTTCCTCCCCGCGCTCTGGCGTA[G>C]AGGTGAGTGCGCCCGGCTGGGGGCCAGGCGAGGGGGTGGGGGCTCCCAGGAGGAAGCAGG-3'
Protein context (NP_006334.2, residues 10-30): LGLFLPALWR[Arg20Thr]AITEAREEAK